The following is an entry in ClinVar:

NM_000079.4(CHRNA1):c.1064A>G (p.Glu355Gly)

Gene: CHRNA1 (cholinergic receptor nicotinic alpha 1 subunit; minus strand). Cytogenetic location: 2q31.1.
Variant type: single nucleotide variant.
Coding change: c.1064A>G on transcript NM_000079.4 (MANE Select); coding-DNA position 1064, A replaced by G.
Protein change: p.Glu355Gly; replaces glutamic acid 355 with glycine.
Molecular consequence: missense variant.
Genome position (GRCh38, 1-based): chr2:174,748,758, T>C on the plus strand (A>G on the coding strand, the complement: CHRNA1 is on the minus strand). VCF-style: chr2-174748758-T-C. GRCh37 (hg19) VCF-style: chr2-175613486-T-C.
Other names: c.1139A>G (NM_001039523.2); c.1139A>G, p.Glu380Gly (NM_001039523.3); short protein forms E355G, E380G.
Identifiers: ClinVar variation 706035 (VCV000706035.17), dbSNP rs144533405, ClinGen allele CA1974373.

ClinVar aggregate classification (germline): Conflicting classifications of pathogenicity. Review status: criteria provided, conflicting classifications (1 of 4 stars). 6 submissions from 6 submitters: Uncertain significance (2); Likely benign (3). 1 of the submissions does not count toward it. Last evaluated 2025-12-20.

Conditions:
Lethal multiple pterygium syndrome (LMPS). Identifiers: Orphanet 33108, MedGen C1854678, MONDO:0009668, OMIM 253290.
CHRNA1-related disorder. Also called: CHRNA1-related condition.

Allele frequency attached by ClinVar (database versions not stated): gnomAD exomes 0.00008 and 0.00017; ExAC 0.00021; ESP Exome Variant Server 0.00054; gnomAD 0.00061 and 0.00065; 1000 Genomes Project 30x 0.00078; 1000 Genomes Project 0.00080; TOPMed 0.00085.
gnomAD v4.1: 208 of 1,614,226 alleles (0.013%); highest among the groups gnomAD compares: African/African-American, 0.22%; no homozygotes.

Submissions (6):

Labcorp Genetics (formerly Invitae), Labcorp
Classification: Likely benign for Lethal multiple pterygium syndrome. Last evaluated: 2025-12-20. Review status: criteria provided, single submitter. Criteria: Invitae Variant Classification Sherloc (09022015). Collection method: clinical testing. Allele origin: germline.

Women's Health and Genetics/Laboratory Corporation of America, LabCorp
Classification: Likely benign. Last evaluated: 2025-09-12. Review status: criteria provided, single submitter. Criteria: LabCorp Variant Classification Summary - May 2015. Collection method: clinical testing. Allele origin: germline.
Comment: Variant summary: CHRNA1 c.1064A>G (p.Glu355Gly) results in a non-conservative amino acid change in the encoded protein sequence. Algorithms developed to predict the effect of missense changes on protein structure and function are either unavailable or do not agree on the potential impact of this missense change. The variant allele was found at a frequency of 0.00017 in 251378 control chromosomes, predominantly at a frequency of 0.0021 within the African or African-American subpopulation in the gnomAD database. The observed variant frequency within African or African-American control individuals in the gnomAD database exceeds the estimated maximal expected allele frequency for disease-causing variants in CHRNA1. To our knowledge, no occurrence of c.1064A>G in individuals affected with CHRNA1-related conditions and no experimental evidence demonstrating its impact on protein function have been reported. ClinVar contains an entry for this variant (Variation ID: 706035). Based on the evidence outlined above, the variant was classified as likely benign.

Blueprint Genetics
Classification: Uncertain significance. Last evaluated: 2024-04-03. Review status: criteria provided, single submitter. Criteria: ACMG Guidelines, 2015. Collection method: clinical testing. Allele origin: germline.

Revvity Omics, Revvity
Classification: Uncertain significance. Last evaluated: 2024-03-06. Review status: criteria provided, single submitter. Criteria: ACMG Guidelines, 2015. Collection method: clinical testing. Allele origin: germline.

Breakthrough Genomics
Classification: Likely benign. Review status: criteria provided, single submitter. Criteria: ACMG Guidelines, 2015. Collection method: not provided. Allele origin: germline. Inheritance: Autosomal recessive inheritance. Affected: yes.

PreventionGenetics, part of Exact Sciences
Classification: Likely benign for CHRNA1-related condition. Last evaluated: 2024-09-12. Review status: no assertion criteria provided. Collection method: clinical testing. Allele origin: germline. Not counted in ClinVar's aggregate classification.
Comment: This variant is classified as likely benign based on ACMG/AMP sequence variant interpretation guidelines (Richards et al. 2015 PMID: 25741868, with internal and published modifications).